The following is an entry in ClinVar:

ClinVar aggregate classification (germline): Pathogenic/Likely pathogenic. Review status: criteria provided, multiple submitters, no conflicts (2 of 4 stars). 3 submissions from 3 submitters: Pathogenic (2); Likely pathogenic (1). Last evaluated 2023-10-29.

Conditions:
Wilson disease (WND). Also called: Wilson's disease. Identifiers: Orphanet 905, MedGen C0019202, MONDO:0010200, OMIM 277900. Disease mechanism: loss of function.

Submissions (3):

Myriad Genetics, Inc.
Classification: Pathogenic for Wilson disease. Last evaluated: 2023-10-29. Review status: criteria provided, single submitter. Criteria: Myriad Autosomal Dominant, Autosomal Recessive and X-Linked Classification Criteria (2023). Collection method: clinical testing. Allele origin: unknown.
Comment: NM_000053.3(ATP7B):c.2614_2615delGT(V872Nfs*14) is expected to be pathogenic in the context of Wilson disease. This variant is predicted to lead to an abnormal or absent protein product due to the creation of a premature termination codon in ATP7B, a gene where loss-of-function variants are known to be pathogenic. Please note: this variant was assessed in the context of healthy population screening.

Labcorp Genetics (formerly Invitae), Labcorp
Classification: Pathogenic for Wilson disease. Last evaluated: 2023-04-02. Review status: criteria provided, single submitter. Criteria: Invitae Variant Classification Sherloc (09022015). Collection method: clinical testing. Allele origin: germline.
Comment: For these reasons, this variant has been classified as Pathogenic. ClinVar contains an entry for this variant (Variation ID: 1698462). This variant has not been reported in the literature in individuals affected with ATP7B-related conditions. This variant is not present in population databases (gnomAD no frequency). This sequence change creates a premature translational stop signal (p.Val872Asnfs*14) in the ATP7B gene. It is expected to result in an absent or disrupted protein product. Loss-of-function variants in ATP7B are known to be pathogenic (PMID: 10441329, 16283883).

Women's Health and Genetics/Laboratory Corporation of America, LabCorp
Classification: Likely pathogenic for Wilson disease. Last evaluated: 2022-06-01. Review status: criteria provided, single submitter. Criteria: LabCorp Variant Classification Summary - May 2015. Collection method: clinical testing. Allele origin: germline.
Comment: Variant summary: ATP7B c.2614_2615delGT (p.Val872AsnfsX14) results in a premature termination codon, predicted to cause a truncation of the encoded protein or absence of the protein due to nonsense mediated decay, which are commonly known mechanisms for disease. Truncations downstream of this position have been classified as pathogenic by our laboratory. The variant was absent in 249580 control chromosomes. To our knowledge, no occurrence of c.2614_2615delGT in individuals affected with Wilson Disease and no experimental evidence demonstrating its impact on protein function have been reported. No clinical diagnostic laboratories have submitted clinical-significance assessments for this variant to ClinVar after 2014. Based on the evidence outlined above, the variant was classified as likely pathogenic.

Literature cited by the submitters: PubMed 10441329 (cited by Labcorp Genetics (formerly Invitae), Labcorp); PubMed 16283883 (cited by Labcorp Genetics (formerly Invitae), Labcorp).

NM_000053.4(ATP7B):c.2614_2615del (p.Val872fs)

Gene: ATP7B (ATPase copper transporting beta; minus strand). Cytogenetic location: 13q14.3.
Variant type: Deletion.
Coding change: c.2614_2615del on transcript NM_000053.4 (MANE Select); coding-DNA positions 2614 to 2615, 2 bases deleted (GT; older notation c.2614_2615delGT).
Protein change: p.Val872fs; shifts the reading frame from valine 872.
Molecular consequence: frameshift variant.
Genome position (GRCh38, 1-based): chr13:51,950,122-51,950,123, AC deleted on the plus strand (GT on the coding strand, the reverse complement: ATP7B is on the minus strand); deleting any 2 consecutive bases within chr13:51,950,122-51,950,124 gives the same sequence; the c. name uses the placement nearest the transcript's 3' end. VCF-style (leftmost placement, unchanged base first): chr13-51950121-TAC-T. GRCh37 (hg19) VCF-style: chr13-52524257-TAC-T.
Other names: c.2128_2129del, p.Val710fs (NM_001005918.3); c.2281_2282del, p.Val761fs (NM_001243182.2); c.2380_2381del, p.Val794fs (NM_001330578.2); c.2362_2363del, p.Val788fs (NM_001330579.2); short protein forms V710fs, V761fs, V788fs, V794fs, V872fs.
Identifiers: ClinVar variation 1698462 (VCV001698462.5), dbSNP rs2139209584, ClinGen allele CA2580087694.